The following is an entry in ClinVar:

NM_004364.5(CEBPA):c.610C>G (p.Pro204Ala)

Gene: CEBPA (CCAAT enhancer binding protein alpha; minus strand). Cytogenetic location: 19q13.11.
Variant type: single nucleotide variant.
Coding change: c.610C>G on transcript NM_004364.5 (MANE Select); coding-DNA position 610, C replaced by G.
Protein change: p.Pro204Ala; replaces proline 204 with alanine.
Molecular consequence: missense variant.
Genome position (GRCh38, 1-based): chr19:33,301,805, G>C on the plus strand (C>G on the coding strand, the complement: CEBPA is on the minus strand). VCF-style: chr19-33301805-G-C. GRCh37 (hg19) VCF-style: chr19-33792711-G-C.
Other names: c.253C>G, p.Pro85Ala (NM_001285829.2); c.715C>G, p.Pro239Ala (NM_001287424.2); c.568C>G, p.Pro190Ala (NM_001287435.2); short protein forms P239A, P190A, P85A, P204A.
Identifiers: ClinVar variation 642087 (VCV000642087.9), dbSNP rs1600022363, ClinGen allele CA405274590.
Genomic context (GRCh38, chr19:33,301,805, plus strand): 5'-GACCGGGCTGCAGGTGCATGGTGGTCTGGCCGCAGTGCGCGATCTGGAACTGCAGGTGCG[G>C]GGCGGCCAGGTGCGCGGGCGGCGGGTGCGGGTGCGGGTGCGAGGGCGGCGGCGGCGGCGG-3'
Protein context (NP_004355.2, residues 194-214): PHPPPAHLAA[Pro204Ala]HLQFQIAHCG

ClinVar aggregate classification (germline): Uncertain significance (1 of 4 stars; one submission).

Conditions:
Acute myeloid leukemia (AML). Also called: Acute myeloid leukemia, adult; AML adult; Acute non-lymphocytic leukemia; Acute granulocytic leukemia; Leukemia, acute myeloid, somatic; Leukemia, acute myelogenous, somatic. Identifiers: Orphanet 519, MedGen C0023467, MeSH D015470, MONDO:0018874, OMIM 601626, HP:0004808. Disease mechanism: Constitutively activated FLT3.

Allele frequency attached by ClinVar (database versions not stated): gnomAD below 0.00001 and 0.00001.

Submission:

Labcorp Genetics (formerly Invitae), Labcorp
Classification: Uncertain significance for Acute myeloid leukemia. Last evaluated: 2023-08-02. Review status: criteria provided, single submitter. Criteria: Invitae Variant Classification Sherloc (09022015). Collection method: clinical testing. Allele origin: germline.
Comment: In summary, the available evidence is currently insufficient to determine the role of this variant in disease. Therefore, it has been classified as a Variant of Uncertain Significance. Advanced modeling of protein sequence and biophysical properties (such as structural, functional, and spatial information, amino acid conservation, physicochemical variation, residue mobility, and thermodynamic stability) performed at Invitae indicates that this missense variant is not expected to disrupt CEBPA protein function. ClinVar contains an entry for this variant (Variation ID: 642087). This variant has not been reported in the literature in individuals affected with CEBPA-related conditions. This variant is not present in population databases (gnomAD no frequency). This sequence change replaces proline, which is neutral and non-polar, with alanine, which is neutral and non-polar, at codon 204 of the CEBPA protein (p.Pro204Ala).